The following is an entry in ClinVar:

ClinVar aggregate classification (germline): Uncertain significance (1 of 4 stars; one submission).

Conditions:
Inborn genetic diseases. Identifiers: MedGen C0950123, MeSH D030342.

Submission:

Ambry Genetics
Classification: Uncertain significance for Inborn genetic diseases. Last evaluated: 2026-04-12. Review status: criteria provided, single submitter. Criteria: Ambry Variant Classification Scheme 2023. Collection method: clinical testing. Allele origin: germline.
Comment: The p.G976R variant (also known as c.2926G>C), located in coding exon 1 of the SAMD9 gene, results from a G to C substitution at nucleotide position 2926. The glycine at codon 976 is replaced by arginine, an amino acid with dissimilar properties. This amino acid position is conserved. In addition, this alteration is predicted to be tolerated by in silico analysis. Based on the available evidence, the clinical significance of this variant remains unclear.

NM_017654.4(SAMD9):c.2926G>C (p.Gly976Arg)

Gene: SAMD9 (sterile alpha motif domain containing 9; minus strand). Cytogenetic location: 7q21.2.
Variant type: single nucleotide variant.
Coding change: c.2926G>C on transcript NM_017654.4 (MANE Select); coding-DNA position 2926, G replaced by C.
Protein change: p.Gly976Arg; replaces glycine 976 with arginine.
Molecular consequence: missense variant.
Genome position (GRCh38, 1-based): chr7:93,103,172, C>G on the plus strand (G>C on the coding strand, the complement: SAMD9 is on the minus strand). VCF-style: chr7-93103172-C-G. GRCh37 (hg19) VCF-style: chr7-92732485-C-G.
Other names: c.2926G>C, p.Gly976Arg (NM_001193307.2); short protein forms G976R.
Identifiers: ClinVar variation 4863809 (VCV004863809.1).